The following is an entry in ClinVar:

ClinVar aggregate classification (germline): Likely benign (1 of 4 stars; one submission).

Allele frequency attached by ClinVar (database versions not stated): gnomAD exomes 0.00162; ExAC 0.00174; 1000 Genomes Project 30x 0.00390; 1000 Genomes Project 0.00399; gnomAD 0.00521 and 0.00562; TOPMed 0.00591; ESP Exome Variant Server 0.00677.
gnomAD v4.1: 1,769 of 1,613,620 alleles (0.11%); highest among the groups gnomAD compares: African/African-American, 1.8%; 17 homozygotes.

Submission:

GeneDx
Classification: Likely benign. Last evaluated: 2018-06-19. Review status: criteria provided, single submitter. Criteria: GeneDx Variant Classification (06012015). Collection method: clinical testing. Allele origin: germline. Affected: yes.
Comment: This variant is considered likely benign or benign based on one or more of the following criteria: it is a conservative change, it occurs at a poorly conserved position in the protein, it is predicted to be benign by multiple in silico algorithms, and/or has population frequency not consistent with disease.

NM_000257.4(MYH7):c.4954-41G>A

Genes: MHRT (myosin heavy chain associated RNA transcript; plus strand), MYH7 (myosin heavy chain 7; minus strand), LOC126861897 (BRD4-independent group 4 enhancer GRCh37_chr14:23884455-23885654; plus strand). Cytogenetic location: 14q11.2.
Variant type: single nucleotide variant.
Coding change: c.4954-41G>A on transcript NM_000257.4 (MANE Select); 41 bases into the intron before coding-DNA position 4954, G replaced by A.
Molecular consequence: intron variant.
Genome position (GRCh38, 1-based): chr14:23,415,873, C>T on the plus strand (G>A on the coding strand, the complement: MYH7 is on the minus strand). VCF-style: chr14-23415873-C-T. GRCh37 (hg19) VCF-style: chr14-23885082-C-T.
Identifiers: ClinVar variation 675328 (VCV000675328.1), dbSNP rs149904793, ClinGen allele CA044492.
Genomic context (GRCh38, chr14:23,415,873, plus strand): 5'-TCCAGCTGAATCTGGGTGTCCTGAGGATCAGGAGAGTGGGCATGAGCAGGGAGCCAGCCT[C>T]GGTTCCCTTCACTAAAGGCACCTGTCAGAGGTCCCTGCAGTAACCTAGGGGCAGGAGGAA-3'